The following is an entry in ClinVar:

ClinVar aggregate classification (germline): Uncertain significance (1 of 4 stars; one submission).

Allele frequency attached by ClinVar (database versions not stated): gnomAD exomes below 0.00001.
gnomAD v4.1: 1 of 1,614,046 alleles (0.000062%); highest among the groups gnomAD compares: South Asian, 0.0011%; no homozygotes.

Submission:

Labcorp Genetics (formerly Invitae), Labcorp
Classification: Uncertain significance. Last evaluated: 2025-12-22. Review status: criteria provided, single submitter. Criteria: Invitae Variant Classification Sherloc (09022015). Collection method: clinical testing. Allele origin: germline.
Comment: This sequence change replaces methionine, which is neutral and non-polar, with isoleucine, which is neutral and non-polar, at codon 716 of the KIF20A protein (p.Met716Ile). This variant is not present in population databases (gnomAD no frequency). This variant has not been reported in the literature in individuals affected with KIF20A-related conditions. ClinVar contains an entry for this variant (Variation ID: 2097050). An algorithm developed to predict the effect of missense changes on protein structure and function (PolyPhen-2) suggests that this variant is likely to be tolerated. In summary, the available evidence is currently insufficient to determine the role of this variant in disease. Therefore, it has been classified as a Variant of Uncertain Significance.

NM_005733.3(KIF20A):c.2148G>A (p.Met716Ile)

Gene: KIF20A (kinesin family member 20A; plus strand). Cytogenetic location: 5q31.2.
Variant type: single nucleotide variant.
Coding change: c.2148G>A on transcript NM_005733.3 (MANE Select); coding-DNA position 2148, G replaced by A.
Protein change: p.Met716Ile; replaces methionine 716 with isoleucine.
Molecular consequence: missense variant.
Genome position (GRCh38, 1-based): chr5:138,185,983, G>A. VCF-style: chr5-138185983-G-A. GRCh37 (hg19) VCF-style: chr5-137521672-G-A.
Other names: short protein forms M716I.
Identifiers: ClinVar variation 2097050 (VCV002097050.4), dbSNP rs2482190384, ClinGen allele CA361118432.
Genomic context (GRCh38, chr5:138,185,983, plus strand): 5'-ACCCCACATATTTTAAGTTTCCTGTTTCCTTCCCTCAGAGTTGCATAAGTATCAGAAAAT[G>A]TTAGAACCACCACCCTCAGCCAAGCCCTTCACCATTGATGTGGACAAGAAGTTAGAAGAG-3'
Protein context (NP_005724.1, residues 706-726): TTEELHKYQK[Met716Ile]LEPPPSAKPF